The following is an entry in ClinVar:

ClinVar aggregate classification (germline): Uncertain significance (1 of 4 stars; one submission).

Submission:

Labcorp Genetics (formerly Invitae), Labcorp
Classification: Uncertain significance. Last evaluated: 2023-07-07. Review status: criteria provided, single submitter. Criteria: Invitae Variant Classification Sherloc (09022015). Collection method: clinical testing. Allele origin: unknown.
Comment: In summary, the available evidence is currently insufficient to determine the role of this variant in disease. Therefore, it has been classified as a Variant of Uncertain Significance. This variant has not been reported in the literature in individuals affected with SCNN1A-related conditions. A copy number gain of the genomic region encompassing the full coding sequence of the SCNN1A gene has been identified. The boundaries of this event are unknown as they extend beyond the assayed region for this gene and therefore may encompass additional genes. As the precise location of this event is unknown, it may be in tandem or it may be located elsewhere in the genome.

NC_000012.11:g.(?_6457039)_(6483949_?)dup

Gene: SCNN1A (sodium channel epithelial 1 subunit alpha; minus strand). Cytogenetic location: 12p13.31.
Variant type: Duplication.
Identifiers: ClinVar variation 3244361 (VCV003244361.1).